The following is an entry in ClinVar:

ClinVar aggregate classification (germline): Likely benign (1 of 4 stars; one submission).

Submission:

CeGaT Center for Human Genetics Tuebingen
Classification: Likely benign. Last evaluated: 2025-06-01. Review status: criteria provided, single submitter. Criteria: CeGaT Center For Human Genetics Tuebingen Variant Classification Criteria Version 2. Collection method: clinical testing. Allele origin: germline. Affected: yes. Observed: 1 variant allele.
Comment: KMT2D: PM2:Supporting, BP4, BP7

NM_003482.4(KMT2D):c.7290G>A (p.Leu2430=)

Gene: KMT2D (lysine methyltransferase 2D; minus strand). Cytogenetic location: 12q13.12.
Variant type: single nucleotide variant.
Coding change: c.7290G>A on transcript NM_003482.4 (MANE Select); coding-DNA position 7290, G replaced by A.
Protein change: p.Leu2430=; no amino-acid change (leucine 2430 retained).
Molecular consequence: synonymous variant.
Genome position (GRCh38, 1-based): chr12:49,040,480, C>T on the plus strand (G>A on the coding strand, the complement: KMT2D is on the minus strand). VCF-style: chr12-49040480-C-T. GRCh37 (hg19) VCF-style: chr12-49434263-C-T.
Identifiers: ClinVar variation 4085347 (VCV004085347.8).
Genomic context (GRCh38, chr12:49,040,480, plus strand): 5'-ATAAGGGTCAGGGGACTGGAAGCGAGGGGTAACGGGTGATGGGCAAAAAGCTTCAGCAGA[C>T]AGAGGCCGGGGTGTCAGTGGAGACTGGGAGCTGGACTGGGACTGAGGACTGGCAGGCACT-3'
Protein context (NP_003473.3, residues 2420-2440): SSQSPLTPRP[Leu2430=]SAEAFCPSPV